The following is an entry in ClinVar:

ClinVar aggregate classification (germline): Conflicting classifications of pathogenicity. Review status: criteria provided, conflicting classifications (1 of 4 stars). 5 submissions from 5 submitters: Uncertain significance (4); Likely benign (1). Last evaluated 2025-12-29.

Conditions:
Eichsfeld type congenital muscular dystrophy (CMYO3). Also called: MYOPATHY, SEPN1-RELATED; SELENON-related myopathy; Congenital myopathy 3 with rigid spine; Rigid spine muscular dystrophy 1. Identifiers: MedGen C0410180, MONDO:0100100, OMIM 602771.

Submissions (5):

Labcorp Genetics (formerly Invitae), Labcorp
Classification: Likely benign for Eichsfeld type congenital muscular dystrophy. Last evaluated: 2025-12-29. Review status: criteria provided, single submitter. Criteria: Invitae Variant Classification Sherloc (09022015). Collection method: clinical testing. Allele origin: germline.

Athena Diagnostics
Classification: Uncertain significance. Last evaluated: 2022-08-19. Review status: criteria provided, single submitter. Criteria: Athena Diagnostics Criteria. Collection method: clinical testing. Allele origin: unknown.

Revvity Omics, Revvity
Classification: Uncertain significance for Eichsfeld type congenital muscular dystrophy. Last evaluated: 2021-04-07. Review status: criteria provided, single submitter. Criteria: ACMG Guidelines, 2015. Collection method: clinical testing. Allele origin: germline.

GeneDx
Classification: Uncertain significance. Last evaluated: 2021-01-19. Review status: criteria provided, single submitter. Criteria: GeneDx Variant Classification Process June 2021. Collection method: clinical testing. Allele origin: germline. Affected: yes.
Comment: In-frame deletion of 1 amino acid in a non-repeat region; In silico analysis supports a deleterious effect on protein structure/function; Has not been previously published as pathogenic or benign to our knowledge

Mayo Clinic Laboratories, Mayo Clinic
Classification: Uncertain significance. Last evaluated: 2020-09-28. Review status: criteria provided, single submitter. Criteria: ACMG Guidelines, 2015. Collection method: clinical testing. Allele origin: germline. Observed: 1 variant allele.

NM_206926.2(SELENON):c.1046GCA[1] (p.Ser350del)

Gene: SELENON (selenoprotein N; plus strand). Cytogenetic location: 1p36.11.
Variant type: Microsatellite.
Coding change: c.1046GCA[1] on transcript NM_206926.2 (MANE Select); one copy of the 3-base unit GCA starting at c.1046; the reference has two copies in a row; one copy, 3 bases deleted.
Protein change: p.Ser350del; deletes serine 350.
Molecular consequence: inframe deletion.
Genome position (GRCh38, 1-based): chr1:25,811,749-25,811,751, GCA deleted; deleting any 3 consecutive bases within chr1:25,811,746-25,811,751 gives the same sequence; the position shown is the placement nearest the transcript's 3' end. VCF-style (leftmost placement, unchanged base first): chr1-25811745-GGCA-G. GRCh37 (hg19) VCF-style: chr1-26138236-GGCA-G.
Other names: c.1148GCA[1], p.Ser384del (NM_020451.3); c.1151_1153del (NM_020451.2, NM_020451.3); short protein forms S384del, S350del.
Identifiers: ClinVar variation 297028 (VCV000297028.24), dbSNP rs770747626, ClinGen allele CA696777.